The following is an entry in ClinVar:

NM_001388453.1(QRICH2):c.706-8C>T

Gene: QRICH2 (glutamine rich 2; minus strand). Cytogenetic location: 17q25.1.
Variant type: single nucleotide variant.
Coding change: c.706-8C>T on transcript NM_001388453.1 (MANE Select); 8 bases into the intron before coding-DNA position 706, C replaced by T.
Molecular consequence: intron variant.
Genome position (GRCh38, 1-based): chr17:76,294,029, G>A on the plus strand (C>T on the coding strand, the complement: QRICH2 is on the minus strand). VCF-style: chr17-76294029-G-A. GRCh37 (hg19) VCF-style: chr17-74290110-G-A.
Other names: c.706-8C>T (NM_032134.3).
Identifiers: ClinVar variation 3054616 (VCV003054616.2), dbSNP rs759944637, ClinGen allele CA8784432.

ClinVar aggregate classification (germline): Likely benign (0 of 4 stars; one submission).

Conditions:
QRICH2-related disorder. Also called: QRICH2-related condition.

Allele frequency attached by ClinVar (database versions not stated): gnomAD 0.00001; TOPMed 0.00001; ExAC 0.00008.
gnomAD v4.1: 55 of 1,584,782 alleles (0.0035%); highest among the groups gnomAD compares: South Asian, 0.058%; 4 homozygotes.

Submission:

PreventionGenetics, part of Exact Sciences
Classification: Likely benign for QRICH2-related condition. Last evaluated: 2023-03-10. Review status: no assertion criteria provided. Collection method: clinical testing. Allele origin: germline.
Comment: This variant is classified as likely benign based on ACMG/AMP sequence variant interpretation guidelines (Richards et al. 2015 PMID: 25741868, with internal and published modifications).